The following is an entry in ClinVar:

NM_144701.3(IL23R):c.787C>A (p.Gln263Lys)

Gene: IL23R (interleukin 23 receptor; plus strand). Cytogenetic location: 1p31.3.
Variant type: single nucleotide variant.
Coding change: c.787C>A on transcript NM_144701.3 (MANE Select); coding-DNA position 787, C replaced by A.
Protein change: p.Gln263Lys; replaces glutamine 263 with lysine.
Molecular consequence: missense variant.
Genome position (GRCh38, 1-based): chr1:67,207,044, C>A. VCF-style: chr1-67207044-C-A. GRCh37 (hg19) VCF-style: chr1-67672727-C-A.
Other names: short protein forms Q263K.
Identifiers: ClinVar variation 1364598 (VCV001364598.8), dbSNP rs1558243703, ClinGen allele CA340728543.
Genomic context (GRCh38, chr1:67,207,044, plus strand): 5'-GATAGTCAAACAACAATTGAAAAGGTTTCCTGTGAAATGAGATACAAGGCTACAACAAAC[C>A]AAACTTGGAATGTAAGCTCAACTTTCATTATGCTTTAGCATGTGAATGAATGATTTAAAA-3'
Protein context (NP_653302.2, residues 253-273): CEMRYKATTN[Gln263Lys]TWNVKEFDTN

ClinVar aggregate classification (germline): Uncertain significance (1 of 4 stars; one submission).

Allele frequency attached by ClinVar (database versions not stated): gnomAD exomes below 0.00001; gnomAD 0.00001.
gnomAD v4.1: 3 of 1,613,808 alleles (0.00019%); highest among the groups gnomAD compares: Non-Finnish European, 0.00025%; no homozygotes.

Submission:

Labcorp Genetics (formerly Invitae), Labcorp
Classification: Uncertain significance. Last evaluated: 2024-08-28. Review status: criteria provided, single submitter. Criteria: Invitae Variant Classification Sherloc (09022015). Collection method: clinical testing. Allele origin: germline.
Comment: This sequence change replaces glutamine, which is neutral and polar, with lysine, which is basic and polar, at codon 263 of the IL23R protein (p.Gln263Lys). This variant is not present in population databases (gnomAD no frequency). This variant has not been reported in the literature in individuals affected with IL23R-related conditions. ClinVar contains an entry for this variant (Variation ID: 1364598). An algorithm developed to predict the effect of missense changes on protein structure and function (PolyPhen-2) suggests that this variant is likely to be disruptive. In summary, the available evidence is currently insufficient to determine the role of this variant in disease. Therefore, it has been classified as a Variant of Uncertain Significance.